The following is an entry in ClinVar:

NM_001077653.2(TBX20):c.191A>T (p.His64Leu)

Gene: TBX20 (T-box transcription factor 20; minus strand). Cytogenetic location: 7p14.2.
Variant type: single nucleotide variant.
Coding change: c.191A>T on transcript NM_001077653.2 (MANE Select); coding-DNA position 191, A replaced by T.
Protein change: p.His64Leu; replaces histidine 64 with leucine.
Molecular consequence: missense variant.
Genome position (GRCh38, 1-based): chr7:35,250,140, T>A on the plus strand (A>T on the coding strand, the complement: TBX20 is on the minus strand). VCF-style: chr7-35250140-T-A. GRCh37 (hg19) VCF-style: chr7-35289752-T-A.
Other names: c.191A>T, p.His64Leu (NM_001166220.1); short protein forms H64L.
Identifiers: ClinVar variation 4710558 (VCV004710558.1).
Genomic context (GRCh38, chr7:35,250,140, plus strand): 5'-GGCTCAGTGCACAGAGAGGAGGAGGACGGGCTGCTGCCACTGCCTCCACCAAACTCCCCA[T>A]GAGCATCCAGGCTGGTCAGCTCACCCAGGGGCTGGGCACAGGACGACTTCTCCACAAATT-3'
Protein context (NP_001071121.1, residues 54-74): PLGELTSLDA[His64Leu]GEFGGGSGSS

ClinVar aggregate classification (germline): Uncertain significance (1 of 4 stars; one submission).

gnomAD v4.1: 1 of 1,614,018 alleles (0.000062%); highest among the groups gnomAD compares: Non-Finnish European, 0.000085%; no homozygotes.

Submission:

Labcorp Genetics (formerly Invitae), Labcorp
Classification: Uncertain significance. Last evaluated: 2025-07-29. Review status: criteria provided, single submitter. Criteria: Invitae Variant Classification Sherloc (09022015). Collection method: clinical testing. Allele origin: germline.
Comment: This sequence change replaces histidine, which is basic and polar, with leucine, which is neutral and non-polar, at codon 64 of the TBX20 protein (p.His64Leu). This variant is not present in population databases (gnomAD no frequency). This variant has not been reported in the literature in individuals affected with TBX20-related conditions. An algorithm developed to predict the effect of missense changes on protein structure and function (PolyPhen-2) suggests that this variant is likely to be tolerated. In summary, the available evidence is currently insufficient to determine the role of this variant in disease. Therefore, it has been classified as a Variant of Uncertain Significance.